The following is an entry in ClinVar:

ClinVar aggregate classification (germline): Uncertain significance (1 of 4 stars; one submission).

Conditions:
TRIP12-related disorder. Also called: TRIP12-related condition.

Submission:

PreventionGenetics, part of Exact Sciences
Classification: Uncertain significance for TRIP12-related condition. Last evaluated: 2022-09-20. Review status: criteria provided, single submitter. Criteria: ACMG Guidelines, 2015. Collection method: clinical testing. Allele origin: germline.
Comment: The TRIP12 c.4841T>C variant is predicted to result in the amino acid substitution p.Leu1614Pro. To our knowledge, this variant has not been reported in the literature or in a large population database, indicating this variant is rare. At this time, the clinical significance of this variant is uncertain due to the absence of conclusive functional and genetic evidence.

NM_001348323.3(TRIP12):c.4922T>C (p.Leu1641Pro)

Gene: TRIP12 (thyroid hormone receptor interactor 12; minus strand). Cytogenetic location: 2q36.3.
Variant type: single nucleotide variant.
Coding change: c.4922T>C on transcript NM_001348323.3 (MANE Select); coding-DNA position 4922, T replaced by C.
Protein change: p.Leu1641Pro; replaces leucine 1641 with proline.
Molecular consequence: missense variant.
Genome position (GRCh38, 1-based): chr2:229,787,578, A>G on the plus strand (T>C on the coding strand, the complement: TRIP12 is on the minus strand). VCF-style: chr2-229787578-A-G. GRCh37 (hg19) VCF-style: chr2-230652294-A-G.
Other names: c.4841T>C, p.Leu1614Pro (NM_001284214.2, NM_001348315.2); c.4796T>C, p.Leu1599Pro (NM_001284215.2, NM_001348316.2); c.3887T>C, p.Leu1296Pro (NM_001284216.2); c.4781T>C, p.Leu1594Pro (NM_001348317.1, NM_001348318.2); c.4907T>C, p.Leu1636Pro (NM_001348319.1, NM_001348320.2); c.4910T>C, p.Leu1637Pro (NM_001348321.1); c.4922T>C, p.Leu1641Pro (NM_001348322.1, NM_001348324.2, NM_001348325.2 and 2 more transcripts); c.4925T>C, p.Leu1642Pro (NM_001348328.1, NM_001348329.2, NM_001348330.2); and 4 more; short protein forms L1296P, L1566P, L1567P, L1594P, L1599P, L1607P, L1614P, L1615P.
Identifiers: ClinVar variation 2635848 (VCV002635848.1), dbSNP rs2470916297, ClinGen allele CA350892601.